The following is an entry in ClinVar:

ClinVar aggregate classification (germline): Uncertain significance (1 of 4 stars; one submission).

Conditions:
Cardiovascular phenotype. Identifiers: MedGen CN230736.
Hereditary cancer-predisposing syndrome. Also called: Neoplastic Syndromes, Hereditary; Tumor predisposition; Hereditary neoplastic syndrome; Hereditary Cancer Syndrome. Identifiers: Orphanet 140162, MedGen C0027672, MeSH D009386, MONDO:0015356.

Submission:

Ambry Genetics
Classification: Uncertain significance for Cardiovascular phenotype; Hereditary cancer-predisposing syndrome. Last evaluated: 2025-06-13. Review status: criteria provided, single submitter. Criteria: Ambry Variant Classification Scheme 2023. Collection method: clinical testing. Allele origin: germline.
Comment: The p.D2206G variant (also known as c.6617A>G), located in coding exon 43 of the NF1 gene, results from an A to G substitution at nucleotide position 6617. The aspartic acid at codon 2206 is replaced by glycine, an amino acid with similar properties. This amino acid position is conserved. In addition, the in silico prediction for this alteration is inconclusive. Based on the available evidence, the clinical significance of this variant remains unclear.

NM_001042492.3(NF1):c.6680A>G (p.Asp2227Gly)

Gene: NF1 (neurofibromin 1; plus strand). Cytogenetic location: 17q11.2.
Variant type: single nucleotide variant.
Coding change: c.6680A>G on transcript NM_001042492.3 (MANE Select); coding-DNA position 6680, A replaced by G.
Protein change: p.Asp2227Gly; replaces aspartic acid 2227 with glycine.
Molecular consequence: missense variant.
Genome position (GRCh38, 1-based): chr17:31,337,856, A>G. VCF-style: chr17-31337856-A-G. GRCh37 (hg19) VCF-style: chr17-29664874-A-G.
Other names: c.6617A>G, p.Asp2206Gly (NM_000267.4); short protein forms D2227G, D2206G.
Identifiers: ClinVar variation 4038597 (VCV004038597.1).